The following is an entry in ClinVar:

NM_000064.4(C3):c.2864-21_2864-20delinsCG

Gene: C3 (complement C3; minus strand). Cytogenetic location: 19p13.3.
Variant type: Indel.
Coding change: c.2864-21_2864-20delinsCG on transcript NM_000064.4 (MANE Select); 21 bases into the intron before coding-DNA position 2864 through 20 bases into the intron before coding-DNA position 2864, TA replaced by CG.
Molecular consequence: intron variant.
Genome position (GRCh38, 1-based): chr19:6,696,485-6,696,486, TA replaced by CG on the plus strand (TA replaced by CG on the coding strand, the reverse complement: C3 is on the minus strand). VCF-style: chr19-6696485-TA-CG. GRCh37 (hg19) VCF-style: chr19-6696496-TA-CG.
Identifiers: ClinVar variation 4692086 (VCV004692086.1).

ClinVar aggregate classification (germline): Uncertain significance (1 of 4 stars; one submission).

Submission:

Labcorp Genetics (formerly Invitae), Labcorp
Classification: Uncertain significance. Last evaluated: 2025-02-10. Review status: criteria provided, single submitter. Criteria: Invitae Variant Classification Sherloc (09022015). Collection method: clinical testing. Allele origin: germline.
Comment: This sequence change falls in intron 22 of the C3 gene. It does not directly change the encoded amino acid sequence of the C3 protein. Information on the frequency of this variant in the gnomAD database is not available, as this variant may be reported differently in the database. This variant has not been reported in the literature in individuals affected with C3-related conditions. Experimental studies and prediction algorithms are not available or were not evaluated, and the effect of this variant on mRNA splicing is currently unknown. In summary, the available evidence is currently insufficient to determine the role of this variant in disease. Therefore, it has been classified as a Variant of Uncertain Significance.